The following is an entry in ClinVar:

ClinVar aggregate classification (germline): Uncertain significance (1 of 4 stars; one submission).

gnomAD v4.1: 1 of 1,613,922 alleles (0.000062%); highest among the groups gnomAD compares: Non-Finnish European, 0.000085%; no homozygotes.

Submission:

Mayo Clinic Laboratories, Mayo Clinic
Classification: Uncertain significance. Last evaluated: 2024-12-24. Review status: criteria provided, single submitter. Criteria: ACMG Guidelines, 2015. Collection method: clinical testing. Allele origin: germline. Observed: 1 variant allele.
Comment: PM2_supporting

NM_000081.4(LYST):c.47T>C (p.Val16Ala)

Gene: LYST (lysosomal trafficking regulator; minus strand). Cytogenetic location: 1q42.3.
Variant type: single nucleotide variant.
Coding change: c.47T>C on transcript NM_000081.4 (MANE Select); coding-DNA position 47, T replaced by C.
Protein change: p.Val16Ala; replaces valine 16 with alanine.
Molecular consequence: missense variant. On other transcripts: non-coding transcript variant (1).
Genome position (GRCh38, 1-based): chr1:235,830,371, A>G on the plus strand (T>C on the coding strand, the complement: LYST is on the minus strand). VCF-style: chr1-235830371-A-G. GRCh37 (hg19) VCF-style: chr1-235993671-A-G.
Other names: p.Val16Ala; c.47T>C, p.Val16Ala (NM_001301365.1); short protein forms V16A.
Identifiers: ClinVar variation 4542482 (VCV004542482.1).